The following is an entry in ClinVar:

ClinVar aggregate classification (germline): Benign (1 of 4 stars; one submission).

Conditions:
Hypercalcemia, infantile, 1 (HCINF1). Identifiers: Orphanet 300547, MedGen CN031131, MONDO:0020739, OMIM 143880.

Allele frequency attached by ClinVar (database versions not stated): gnomAD 0.00107 and 0.00095; 1000 Genomes Project 30x 0.00390; 1000 Genomes Project 0.00359; TOPMed 0.00191.

Submission:

Illumina Laboratory Services, Illumina
Classification: Benign for Hypercalcemia, infantile, 1. Last evaluated: 2018-01-13. Review status: criteria provided, single submitter. Criteria: ICSL Variant Classification Criteria 13 December 2019. Collection method: clinical testing. Allele origin: germline.
Comment: This variant was observed in the ICSL laboratory as part of a predisposition screen in an ostensibly healthy population. It had not been previously curated by ICSL or reported in the Human Gene Mutation Database (HGMD: prior to June 1st, 2018), and was therefore a candidate for classification through an automated scoring system. Utilizing variant allele frequency, disease prevalence and penetrance estimates, and inheritance mode, an automated score was calculated to assess if this variant is too frequent to cause the disease. Based on the score and internal cut-off values, a variant classified as benign is not then subjected to further curation. The score for this variant resulted in a classification of benign for this disease.

NM_000782.5(CYP24A1):c.*885T>G

Gene: CYP24A1 (cytochrome P450 family 24 subfamily A member 1; minus strand). Cytogenetic location: 20q13.2.
Variant type: single nucleotide variant.
Coding change: c.*885T>G on transcript NM_000782.5 (MANE Select); 885 bases downstream of the stop codon, T replaced by G.
Molecular consequence: 3 prime UTR variant.
Genome position (GRCh38, 1-based): chr20:54,153,887, A>C on the plus strand (T>G on the coding strand, the complement: CYP24A1 is on the minus strand). VCF-style: chr20-54153887-A-C. GRCh37 (hg19) VCF-style: chr20-52770426-A-C.
Other names: c.*885T>G (NM_001128915.2).
Identifiers: ClinVar variation 338793 (VCV000338793.6), dbSNP rs182056037, ClinGen allele CA10649888.